The following is an entry in ClinVar:

ClinVar aggregate classification (germline): Conflicting classifications of pathogenicity. Review status: criteria provided, conflicting classifications (1 of 4 stars). 4 submissions from 4 submitters: Uncertain significance (3); Likely benign (1). Last evaluated 2025-03-05.

Conditions:
Hearing impairment. Also called: Impaired Hearing. Identifiers: MedGen C1384666, MONDO:0005365, HP:0000365.

Allele frequency attached by ClinVar (database versions not stated): gnomAD exomes 0.00002; gnomAD 0.00003 and 0.00004; TOPMed 0.00003; ExAC 0.00004.
gnomAD v4.1: 40 of 1,612,780 alleles (0.0025%); highest among the groups gnomAD compares: Non-Finnish European, 0.0031%; no homozygotes.

Submissions (4):

Labcorp Genetics (formerly Invitae), Labcorp
Classification: Uncertain significance. Last evaluated: 2025-03-05. Review status: criteria provided, single submitter. Criteria: Invitae Variant Classification Sherloc (09022015). Collection method: clinical testing. Allele origin: germline.
Comment: This sequence change replaces valine, which is neutral and non-polar, with alanine, which is neutral and non-polar, at codon 1661 of the MYH14 protein (p.Val1661Ala). This variant is present in population databases (rs775130663, gnomAD 0.006%). This missense change has been observed in individual(s) with clinical features of MYH14-related conditions (PMID: 29293505). This variant is also known as c.5105T>C (p.Val1702Ala). ClinVar contains an entry for this variant (Variation ID: 373967). Invitae Evidence Modeling of protein sequence and biophysical properties (such as structural, functional, and spatial information, amino acid conservation, physicochemical variation, residue mobility, and thermodynamic stability) indicates that this missense variant is not expected to disrupt MYH14 protein function with a negative predictive value of 80%. In summary, the available evidence is currently insufficient to determine the role of this variant in disease. Therefore, it has been classified as a Variant of Uncertain Significance.

Mayo Clinic Laboratories, Mayo Clinic
Classification: Uncertain significance. Last evaluated: 2024-06-06. Review status: criteria provided, single submitter. Criteria: ACMG Guidelines, 2015. Collection method: clinical testing. Allele origin: germline. Observed: 1 variant allele.
Comment: BP4

CeGaT Center for Human Genetics Tuebingen
Classification: Likely benign. Last evaluated: 2023-06-01. Review status: criteria provided, single submitter. Criteria: CeGaT Center For Human Genetics Tuebingen Variant Classification Criteria Version 2. Collection method: clinical testing. Allele origin: germline. Affected: yes. Observed: 1 variant allele.
Comment: MYH14: BP4

Centre for Mendelian Genomics, University Medical Centre Ljubljana
Classification: Uncertain significance for Hearing impairment. Last evaluated: 2015-03-25. Review status: criteria provided, single submitter. Criteria: ACMG Guidelines, 2015. Collection method: clinical testing. Allele origin: unknown. Affected: yes.

Literature cited by the submitters: PubMed 29293505 (cited by Labcorp Genetics (formerly Invitae), Labcorp and Mayo Clinic Laboratories, Mayo Clinic).

NM_001145809.2(MYH14):c.5105T>C (p.Val1702Ala)

Gene: MYH14 (myosin heavy chain 14; plus strand). Cytogenetic location: 19q13.33.
Variant type: single nucleotide variant.
Coding change: c.5105T>C on transcript NM_001145809.2 (MANE Select); coding-DNA position 5105, T replaced by C.
Protein change: p.Val1702Ala; replaces valine 1702 with alanine.
Molecular consequence: missense variant.
Genome position (GRCh38, 1-based): chr19:50,291,026, T>C. VCF-style: chr19-50291026-T-C. GRCh37 (hg19) VCF-style: chr19-50794283-T-C.
Other names: p.Val1661Ala; c.5006T>C, p.Val1669Ala (NM_001077186.2); c.4982T>C, p.Val1661Ala (NM_024729.4); c.4982T>C (NM_024729.3); short protein forms V1702A, V1661A, V1669A.
Identifiers: ClinVar variation 373967 (VCV000373967.31), dbSNP rs775130663, ClinGen allele CA9593681.
Genomic context (GRCh38, chr19:50,291,026, plus strand): 5'-GAGAGCTGGAGGAGCTGAAGGCTCAGATGGCCTCTGCCGGCCAGGGCAAGGAGGAGGCGG[T>C]GAAGCAGCTTCGCAAGATGCAGGTAAGAGCCGGCGTGAGCTGCAGGGAGGGGAGGCTTTG-3'
Protein context (NP_001139281.1, residues 1692-1712): ASAGQGKEEA[Val1702Ala]KQLRKMQAQM